The following is an entry in ClinVar:

ClinVar aggregate classification (germline): Likely pathogenic (1 of 4 stars; one submission).

Conditions:
Muscular dystrophy-dystroglycanopathy (congenital with brain and eye anomalies), type A2. Also called: MUSCULAR DYSTROPHY-DYSTROGLYCANOPATHY (CONGENITAL WITH BRAIN AND EYE ANOMALIES), TYPE A, 2; WALKER-WARBURG SYNDROME OR MUSCLE-EYE-BRAIN DISEASE, POMT2-RELATED. Identifiers: Orphanet 588, Orphanet 899, MedGen C3150411, MONDO:0013154, OMIM 613150.
Muscular dystrophy-dystroglycanopathy (congenital with impaired intellectual development), type B, 2. Also called: MUSCULAR DYSTROPHY, CONGENITAL, POMT2-RELATED; Muscular dystrophy-dystroglycanopathy (congenital with intellectual disability), type B2. Identifiers: MedGen C3150416, MONDO:0013160, OMIM 613156.
Autosomal recessive limb-girdle muscular dystrophy type 2N. Also called: MUSCULAR DYSTROPHY-DYSTROGLYCANOPATHY, LIMB-GIRDLE, POMT2-RELATED; Muscular dystrophy-dystroglycanopathy (limb-girdle), type C, 2. Identifiers: Orphanet 206559, MedGen C3150418, MONDO:0013162, OMIM 613158.

Submission:

Juno Genomics, Hangzhou Juno Genomics, Inc
Classification: Likely pathogenic for Muscular dystrophy-dystroglycanopathy (congenital with impaired intellectual development), type B, 2; Muscular dystrophy-dystroglycanopathy (congenital with brain and eye anomalies), type A2; Autosomal recessive limb-girdle muscular dystrophy type 2N. Review status: criteria provided, single submitter. Criteria: ACMG Guidelines, 2015. Collection method: clinical testing. Allele origin: germline.
Comment: Null variant in a gene where loss of function (LOF) is a known mechanism of disease.;Absent from controls (or at extremely low frequency if recessive) in Genome Aggregation Database.

NM_013382.7(POMT2):c.1215del (p.Phe405fs)

Gene: POMT2 (protein O-mannosyltransferase 2; minus strand). Cytogenetic location: 14q24.3.
Variant type: Deletion.
Coding change: c.1215del on transcript NM_013382.7 (MANE Select); coding-DNA position 1215, one base deleted (T; older notation c.1215delT).
Protein change: p.Phe405fs; shifts the reading frame from phenylalanine 405.
Molecular consequence: frameshift variant.
Genome position (GRCh38, 1-based): chr14:77,288,800, A deleted on the plus strand (T on the coding strand, the reverse complement: POMT2 is on the minus strand); the first of 3 consecutive A bases (chr14:77,288,800-77,288,802); deleting any one gives the same sequence. VCF-style (leftmost placement, unchanged base first): chr14-77288799-CA-C. GRCh37 (hg19) VCF-style: chr14-77755142-CA-C.
Other names: short protein forms F405fs.
Identifiers: ClinVar variation 5005350 (VCV005005350.2).